The following is an entry in ClinVar:

ClinVar aggregate classification (germline): Pathogenic. Review status: criteria provided, multiple submitters, no conflicts (2 of 4 stars). 2 submissions from 2 submitters: Pathogenic (2). Last evaluated 2024-03-02.

Conditions:
Developmental and epileptic encephalopathy, 9 (DEE9). Also called: EPILEPSY, FEMALE-RESTRICTED, WITH MENTAL RETARDATION; Early infantile epileptic encephalopathy 9; JUBERG-HELLMAN SYNDROME; PCDH19-Related X-Linked Female-Limited Epilepsy with Mental Retardation. Identifiers: Orphanet 101039, Orphanet 2076, MedGen C1848137, MONDO:0010246, OMIM 300088. Disease mechanism: loss of function.

Submissions (2):

Labcorp Genetics (formerly Invitae), Labcorp
Classification: Pathogenic for Developmental and epileptic encephalopathy, 9. Last evaluated: 2024-03-02. Review status: criteria provided, single submitter. Criteria: Invitae Variant Classification Sherloc (09022015). Collection method: clinical testing. Allele origin: germline.
Comment: This sequence change creates a premature translational stop signal (p.Ser67*) in the PCDH19 gene. It is expected to result in an absent or disrupted protein product. Loss-of-function variants in PCDH19 are known to be pathogenic (PMID: 21053371). This variant is not present in population databases (gnomAD no frequency). This variant has not been reported in the literature in individuals affected with PCDH19-related conditions. ClinVar contains an entry for this variant (Variation ID: 872430). For these reasons, this variant has been classified as Pathogenic.

CeGaT Center for Human Genetics Tuebingen
Classification: Pathogenic. Last evaluated: 2016-11-01. Review status: criteria provided, single submitter. Criteria: CeGaT Center For Human Genetics Tuebingen Variant Classification Criteria Version 2. Collection method: clinical testing. Allele origin: germline. Affected: yes. Observed: 1 variant allele.

Literature cited by the submitters: PubMed 21053371 (cited by Labcorp Genetics (formerly Invitae), Labcorp).

NM_001184880.2(PCDH19):c.200C>A (p.Ser67Ter)

Gene: PCDH19 (protocadherin 19; minus strand). Cytogenetic location: Xq22.1.
Variant type: single nucleotide variant.
Coding change: c.200C>A on transcript NM_001184880.2 (MANE Select); coding-DNA position 200, C replaced by A.
Protein change: p.Ser67Ter; replaces serine 67 with a stop codon.
Molecular consequence: nonsense.
Genome position (GRCh38, 1-based): chrX:100,408,398, G>T on the plus strand (C>A on the coding strand, the complement: PCDH19 is on the minus strand). VCF-style: chrX-100408398-G-T. GRCh37 (hg19) VCF-style: chrX-99663396-G-T.
Other names: c.200C>A, p.Ser67Ter (NM_001105243.2, NM_020766.3); short protein forms S67*.
Identifiers: ClinVar variation 872430 (VCV000872430.43), dbSNP rs868762744, ClinGen allele CA414011169.